The following continues an entry in ClinVar:

NM_006005.3(WFS1):c.2051C>T (p.Ala684Val)

Gene: WFS1. ClinVar aggregate classification (germline): Pathogenic/Likely pathogenic. Pathogenic (21); Likely pathogenic (3).

Submissions 23 to 32 of 32:

Juno Genomics, Hangzhou Juno Genomics, Inc
Classification: Pathogenic for Wolfram syndrome 1; Wolfram-like syndrome; Cataract 41; Type 2 diabetes mellitus; Autosomal dominant nonsyndromic hearing loss 6. Review status: criteria provided, single submitter. Criteria: ACMG Guidelines, 2015. Collection method: clinical testing. Allele origin: germline. Affected: yes.
Comment: Absent from controls (or at extremely low frequency if recessive) in Genome Aggregation Database.;Multiple lines of computational evidence support a deleterious effect on the gene or gene product.;The prevalence of the variant in affected individuals is significantly increased compared to the prevalence in controls.;Patient's phenotype or family history is highly specific for a disease with a single genetic etiology.;Assumed de novo, but without confirmation of paternity and maternity.

Kasturba Medical College, Manipal, Kasturba Medical College, Manipal, Manipal Academy of Higher Education, Manipal, India
Classification: Likely pathogenic for WFS1-spectrum disorder. Review status: criteria provided, single submitter. Criteria: ACMG Guidelines, 2015. Collection method: research. Allele origin: de novo. Inheritance: Autosomal dominant inheritance. Affected: yes. Observed: 1 heterozygote.
Comment: This variant is present in heterozygous state in 4 individuals in the gnomAD (v4.1.0) population database and absent in our in-house data of 3527 exomes. Functional studies using HEK cell line showed decreased expression of WFS1 protein (Rendtorff ND et al., 2011). The clinical findings observed in the proband are in concordance with WFS1-spectrum disorder.

Clinical Genetics Laboratory, University Hospital Schleswig-Holstein
Classification: Pathogenic for Wolfram-like syndrome. Last evaluated: 2024-10-11. Review status: no assertion criteria provided. Collection method: clinical testing. Allele origin: de novo. Affected: yes. Not counted in ClinVar's aggregate classification.

Genetics and Genomic Medicine Centre, NeuroGen Healthcare, NeuroGen Healthcare
Classification: Likely pathogenic. Last evaluated: 2020-12-14. Review status: no assertion criteria provided. Collection method: clinical testing. Allele origin: unknown. Affected: yes. Not counted in ClinVar's aggregate classification.

OMIM
Classification: Pathogenic for WOLFRAM-LIKE SYNDROME, AUTOSOMAL DOMINANT. Last evaluated: 2011-06-01. Review status: no assertion criteria provided. Collection method: literature only. Allele origin: germline. Not counted in ClinVar's aggregate classification.

OMIM
Classification: Pathogenic for WOLFRAM SYNDROME 1. Last evaluated: 2011-06-01. Review status: no assertion criteria provided. Collection method: literature only. Allele origin: germline. Not counted in ClinVar's aggregate classification.

Clinical Genetics, Academic Medical Center
Classification: Pathogenic. Review status: no assertion criteria provided. Collection method: clinical testing. Allele origin: germline. Affected: yes. Study: VKGL Data-share Consensus. Not counted in ClinVar's aggregate classification.

Genome Diagnostics Laboratory, Amsterdam University Medical Center
Classification: Pathogenic. Review status: no assertion criteria provided. Collection method: clinical testing. Allele origin: germline. Affected: yes. Study: VKGL Data-share Consensus. Not counted in ClinVar's aggregate classification.

Genomics England Pilot Project, Genomics England
Classification: Likely pathogenic for Autosomal dominant nonsyndromic hearing loss 6. Review status: no assertion criteria provided. Criteria: ACGS Guidelines, 2016. Collection method: clinical testing. Allele origin: germline. Affected: yes. Not counted in ClinVar's aggregate classification.

Joint Genome Diagnostic Labs from Nijmegen and Maastricht, Radboudumc and MUMC+
Classification: Pathogenic. Review status: no assertion criteria provided. Collection method: clinical testing. Allele origin: germline. Affected: yes. Study: VKGL Data-share Consensus. Not counted in ClinVar's aggregate classification.

Literature cited by the submitters: PubMed 21538838 (cited by 9 submitters); PubMed 37041640 (cited by Laboratory of Molecular, Cellular and Translation Genetics in Otolaryngology/ Lim32-hcfmusp, University of Sao Paulo School of Medicine Clinics Hospital and Institute of Medical Genetics and Genomics, Sir Ganga Ram Hospital); PubMed 32567228 (cited by Laboratory of Molecular, Cellular and Translation Genetics in Otolaryngology/ Lim32-hcfmusp, University of Sao Paulo School of Medicine Clinics Hospital and Institute of Human Genetics, Univ. Regensburg, Univ. Regensburg); PubMed 22238590 (cited by 5 submitters); PubMed 42233699 (cited by Laboratory of Molecular, Cellular and Translation Genetics in Otolaryngology/ Lim32-hcfmusp, University of Sao Paulo School of Medicine Clinics Hospital); PubMed 11295831 (cited by 6 submitters); PubMed 21067485 (cited by 4 submitters); PubMed 29529044 (cited by 4 submitters); PubMed 24651602 (cited by Department of Otolaryngology-Head and Neck Surgery, Shanghai Jiao Tong University Affiliated Sixth People’s Hospital); PubMed 36933359 (cited by Institute of Medical Genetics and Genomics, Sir Ganga Ram Hospital); PubMed 20875904 (cited by 3 submitters); PubMed 27045389 (cited by Ambry Genetics); PubMed 30577886 (cited by Women's Health and Genetics/Laboratory Corporation of America, LabCorp and Institute of Human Genetics, Univ. Regensburg, Univ. Regensburg); PubMed 26875006 (cited by 3 submitters); PubMed 32645618 (cited by Institute of Human Genetics, Univ. Regensburg, Univ. Regensburg); PubMed 33098801 (cited by Institute of Human Genetics, Univ. Regensburg, Univ. Regensburg); PubMed 33841295 (cited by Institute of Human Genetics, Univ. Regensburg, Univ. Regensburg); PubMed 34416374 (cited by Institute of Human Genetics, Univ. Regensburg, Univ. Regensburg); PubMed 34573359 (cited by Institute of Human Genetics, Univ. Regensburg, Univ. Regensburg); PubMed 34758253 (cited by Institute of Human Genetics, Univ. Regensburg, Univ. Regensburg); PubMed 34440452 (cited by Institute of Human Genetics, Univ. Regensburg, Univ. Regensburg); PubMed 36330437 (cited by Institute of Human Genetics, Univ. Regensburg, Univ. Regensburg); PubMed 35872528 (cited by Institute of Human Genetics, Univ. Regensburg, Univ. Regensburg); PubMed 36284460 (cited by Institute of Human Genetics, Univ. Regensburg, Univ. Regensburg); PubMed 21143470 (cited by Athena Diagnostics); PubMed 26435059 (cited by Athena Diagnostics and Laboratory for Molecular Medicine, Mass General Brigham Personalized Medicine); PubMed 24890733 (cited by Athena Diagnostics); PubMed 27395765 (cited by Athena Diagnostics); PubMed 19877185 (cited by Athena Diagnostics); PubMed 28432734 (cited by Athena Diagnostics); PMC PMC3100366 (cited by Kasturba Medical College, Manipal, Kasturba Medical College, Manipal, Manipal Academy of Higher Education, Manipal, India); Samuelson, A. Familjart upptradande synnervsatrofi och dovhet. Nord. Med. 6: 769-772, 1940. (cited by OMIM).